The following is an entry in ClinVar:

NM_006070.6(TFG):c.796C>G (p.Gln266Glu)

Gene: TFG (trafficking from ER to golgi regulator; plus strand). Cytogenetic location: 3q12.2.
Variant type: single nucleotide variant.
Coding change: c.796C>G on transcript NM_006070.6 (MANE Select); coding-DNA position 796, C replaced by G.
Protein change: p.Gln266Glu; replaces glutamine 266 with glutamic acid.
Molecular consequence: missense variant.
Genome position (GRCh38, 1-based): chr3:100,744,907, C>G. VCF-style: chr3-100744907-C-G. GRCh37 (hg19) VCF-style: chr3-100463751-C-G.
Other names: c.796C>G, p.Gln266Glu (NM_001007565.2, NM_001195478.2); c.784C>G, p.Gln262Glu (NM_001195479.2); short protein forms Q262E, Q266E.
Identifiers: ClinVar variation 2938252 (VCV002938252.3), dbSNP rs2472138571, ClinGen allele CA353850447.

ClinVar aggregate classification (germline): Uncertain significance (1 of 4 stars; one submission).

Conditions:
Hereditary motor and sensory neuropathy, Okinawa type (HMSNO). Also called: HEREDITARY MOTOR AND SENSORY NEUROPATHY, PROXIMAL TYPE. Identifiers: Orphanet 90117, MedGen C1858338, MONDO:0011468, OMIM 604484.
Hereditary spastic paraplegia 57. Also called: Spastic paraplegia 57, autosomal recessive. Identifiers: Orphanet 431329, MedGen C3714897, MONDO:0014295, OMIM 615658.

Submission:

Labcorp Genetics (formerly Invitae), Labcorp
Classification: Uncertain significance for Hereditary motor and sensory neuropathy, Okinawa type; Hereditary spastic paraplegia 57. Last evaluated: 2023-10-30. Review status: criteria provided, single submitter. Criteria: Invitae Variant Classification Sherloc (09022015). Collection method: clinical testing. Allele origin: germline.
Comment: This sequence change replaces glutamine, which is neutral and polar, with glutamic acid, which is acidic and polar, at codon 266 of the TFG protein (p.Gln266Glu). This variant is not present in population databases (gnomAD no frequency). This variant has not been reported in the literature in individuals affected with TFG-related conditions. Advanced modeling of protein sequence and biophysical properties (such as structural, functional, and spatial information, amino acid conservation, physicochemical variation, residue mobility, and thermodynamic stability) performed at Invitae indicates that this missense variant is not expected to disrupt TFG protein function with a negative predictive value of 80%. In summary, the available evidence is currently insufficient to determine the role of this variant in disease. Therefore, it has been classified as a Variant of Uncertain Significance.